The following is an entry in ClinVar:

ClinVar aggregate classification (germline): Benign/Likely benign. Review status: criteria provided, multiple submitters, no conflicts (2 of 4 stars). 5 submissions from 5 submitters: Benign (2); Likely benign (2). 1 of the submissions does not count toward it. Last evaluated 2024-12-04.

Conditions:
Factor XIII, A subunit, deficiency of. Also called: Factor XIII subunit A deficiency. Identifiers: Orphanet 331, MedGen C2750514, MONDO:0013187, OMIM 613225, HP:0040233.
F13A1-related disorder. Also called: F13A1-related condition.

Allele frequency attached by ClinVar (database versions not stated): gnomAD exomes 0.00079 and 0.00211; ExAC 0.00276; gnomAD 0.00883 and 0.00958; ESP Exome Variant Server 0.00930; TOPMed 0.00990; 1000 Genomes Project 0.00998; 1000 Genomes Project 30x 0.00999.
gnomAD v4.1: 2,533 of 1,614,108 alleles (0.16%); highest among the groups gnomAD compares: African/African-American, 3.1%; 36 homozygotes.

Submissions (5):

Mayo Clinic Laboratories, Mayo Clinic
Classification: Benign. Last evaluated: 2024-12-04. Review status: criteria provided, single submitter. Criteria: ACMG Guidelines, 2015. Collection method: clinical testing. Allele origin: germline. Observed: 1 variant allele.
Comment: BS1, BS2, BP4, BP7

Labcorp Genetics (formerly Invitae), Labcorp
Classification: Benign. Last evaluated: 2019-12-31. Review status: criteria provided, single submitter. Criteria: Invitae Variant Classification Sherloc (09022015). Collection method: clinical testing. Allele origin: germline.

Illumina Laboratory Services, Illumina
Classification: Likely benign for Factor XIII, A subunit, deficiency of. Last evaluated: 2018-01-13. Review status: criteria provided, single submitter. Criteria: ICSL Variant Classification Criteria 13 December 2019. Collection method: clinical testing. Allele origin: germline.
Comment: This variant was observed in the ICSL laboratory as part of a predisposition screen in an ostensibly healthy population. It had not been previously curated by ICSL or reported in the Human Gene Mutation Database (HGMD: prior to June 1st, 2018), and was therefore a candidate for classification through an automated scoring system. Utilizing variant allele frequency, disease prevalence and penetrance estimates, and inheritance mode, an automated score was calculated to assess if this variant is too frequent to cause the disease. Based on the score and internal cut-off values, a variant classified as likely benign is not then subjected to further curation. The score for this variant resulted in a classification of likely benign for this disease.

Breakthrough Genomics
Classification: Likely benign. Review status: criteria provided, single submitter. Criteria: ACMG Guidelines, 2015. Collection method: not provided. Allele origin: germline. Inheritance: Autosomal recessive inheritance. Affected: yes.

PreventionGenetics, part of Exact Sciences
Classification: Benign for F13A1-related condition. Last evaluated: 2019-06-04. Review status: no assertion criteria provided. Collection method: clinical testing. Allele origin: germline. Not counted in ClinVar's aggregate classification.
Comment: This variant is classified as benign based on ACMG/AMP sequence variant interpretation guidelines (Richards et al. 2015 PMID: 25741868, with internal and published modifications).

NM_000129.4(F13A1):c.1689G>A (p.Gly563=)

Gene: F13A1 (coagulation factor XIII A chain; minus strand). Cytogenetic location: 6p25.1.
Variant type: single nucleotide variant.
Coding change: c.1689G>A on transcript NM_000129.4 (MANE Select); coding-DNA position 1689, G replaced by A.
Protein change: p.Gly563=; no amino-acid change (glycine 563 retained).
Molecular consequence: synonymous variant.
Genome position (GRCh38, 1-based): chr6:6,174,638, C>T on the plus strand (G>A on the coding strand, the complement: F13A1 is on the minus strand). VCF-style: chr6-6174638-C-T. GRCh37 (hg19) VCF-style: chr6-6174871-C-T.
Other names: p.Gly563=.
Identifiers: ClinVar variation 711435 (VCV000711435.12), dbSNP rs58315745, ClinGen allele CA3624283.